The following is an entry in ClinVar:

NM_003743.5(NCOA1):c.3676C>A (p.Gln1226Lys)

Gene: NCOA1 (nuclear receptor coactivator 1; plus strand). Cytogenetic location: 2p23.3.
Variant type: single nucleotide variant.
Coding change: c.3676C>A on transcript NM_003743.5 (MANE Select); coding-DNA position 3676, C replaced by A.
Protein change: p.Gln1226Lys; replaces glutamine 1226 with lysine.
Molecular consequence: missense variant.
Genome position (GRCh38, 1-based): chr2:24,742,156, C>A. VCF-style: chr2-24742156-C-A. GRCh37 (hg19) VCF-style: chr2-24965025-C-A.
Other names: c.3676C>A, p.Gln1226Lys (NM_001362950.1, NM_001362952.1, NM_001362954.1 and 3 more transcripts); short protein forms Q1226K.
Identifiers: ClinVar variation 4987531 (VCV004987531.1).
Genomic context (GRCh38, chr2:24,742,156, plus strand): 5'-AGCAGAGGCATGACAGGAAACATAGGAGGACAGTTTGGCACTGGAATCAATCCTCAGATG[C>A]AGCAGAATGTCTTCCAGTATCCAGGAGCAGGTAGGAAGGTCACAACTTTATGTTGTTCTA-3'
Protein context (NP_003734.3, residues 1216-1236): QFGTGINPQM[Gln1226Lys]QNVFQYPGAG

ClinVar aggregate classification (germline): Uncertain significance (1 of 4 stars; one submission).

Conditions:
NCOA1-related disorder. Also called: NCOA1-related condition.

Submission:

PreventionGenetics, part of Exact Sciences
Classification: Uncertain significance for NCOA1-related condition. Last evaluated: 2024-11-13. Review status: criteria provided, single submitter. Criteria: ACMG Guidelines, 2015. Collection method: clinical testing. Allele origin: germline.
Comment: The NCOA1 c.3676C>A variant is predicted to result in the amino acid substitution p.Gln1226Lys. To our knowledge, this variant has not been reported in the literature or in a large population database (gnomAD), indicating this variant is rare. At this time, the clinical significance of this variant is uncertain due to the absence of conclusive functional and genetic evidence.